The following is an entry in ClinVar:

ClinVar aggregate classification (germline): Uncertain significance (1 of 4 stars; one submission).

Conditions:
Perlman syndrome (PRLMNS). Identifiers: Orphanet 2849, MedGen C0796113, MONDO:0009965, OMIM 267000.

Submission:

Labcorp Genetics (formerly Invitae), Labcorp
Classification: Uncertain significance for Perlman syndrome. Last evaluated: 2023-09-26. Review status: criteria provided, single submitter. Criteria: Invitae Variant Classification Sherloc (09022015). Collection method: clinical testing. Allele origin: germline.
Comment: This sequence change replaces valine, which is neutral and non-polar, with alanine, which is neutral and non-polar, at codon 113 of the DIS3L2 protein (p.Val113Ala). This variant is not present in population databases (gnomAD no frequency). This variant has not been reported in the literature in individuals affected with DIS3L2-related conditions. Advanced modeling of protein sequence and biophysical properties (such as structural, functional, and spatial information, amino acid conservation, physicochemical variation, residue mobility, and thermodynamic stability) performed at Invitae indicates that this missense variant is not expected to disrupt DIS3L2 protein function. In summary, the available evidence is currently insufficient to determine the role of this variant in disease. Therefore, it has been classified as a Variant of Uncertain Significance.

NM_152383.5(DIS3L2):c.338T>C (p.Val113Ala)

Gene: DIS3L2 (DIS3 like 3'-5' exoribonuclease 2; plus strand). Cytogenetic location: 2q37.1.
Variant type: single nucleotide variant.
Coding change: c.338T>C on transcript NM_152383.5 (MANE Select); coding-DNA position 338, T replaced by C.
Protein change: p.Val113Ala; replaces valine 113 with alanine.
Molecular consequence: missense variant. On other transcripts: non-coding transcript variant (2).
Genome position (GRCh38, 1-based): chr2:232,030,052, T>C. VCF-style: chr2-232030052-T-C. GRCh37 (hg19) VCF-style: chr2-232894762-T-C.
Other names: c.338T>C, p.Val113Ala (NM_001257281.2, NM_001257282.2); short protein forms V113A.
Identifiers: ClinVar variation 2763565 (VCV002763565.3), dbSNP rs2469623706, ClinGen allele CA351152995.